The following is an entry in ClinVar:

ClinVar aggregate classification (germline): Uncertain significance. Review status: criteria provided, single submitter (1 of 4 stars). 2 submissions from 2 submitters: Uncertain significance (1). 1 of the submissions does not count toward it. Last evaluated 2024-12-11.

Conditions:
ABCC6-related disorder. Also called: ABCC6-related condition.
Autosomal recessive inherited pseudoxanthoma elasticum (PXE). Identifiers: Orphanet 758, MedGen CN032334, MONDO:0009925, OMIM 264800.

Allele frequency attached by ClinVar (database versions not stated): gnomAD exomes 0.00001.

Submissions (2):

PreventionGenetics, part of Exact Sciences
Classification: Uncertain significance for ABCC6-related condition. Last evaluated: 2024-12-11. Review status: criteria provided, single submitter. Criteria: ACMG Guidelines, 2015. Collection method: clinical testing. Allele origin: germline.
Comment: The ABCC6 c.4213G>A variant is predicted to result in the amino acid substitution p.Gly1405Ser. This variant has been reported in the heterozygous state in an individual with pseudoxanthoma elasticum (Vanakker et al. 2008. PubMed ID: 18157818). Additionally, this variant was reported in the heterozygous state in one individual and the compound heterozygous state in another individual tested for pseudoxanthoma elasticum; however, no evidence was provided to support its pathogenicity (Table S1, Verschuere et al. 2020. PubMed ID: 32873932). This variant has not been reported in a large population database (gnomAD), indicating this variant is rare. Although we suspect that this variant may be pathogenic, at this time, the clinical significance of this variant is uncertain due to the absence of conclusive functional and genetic evidence.

PXE International
Classification: Pathogenic for Autosomal recessive inherited pseudoxanthoma elasticum. Last evaluated: 2021-03-01. Review status: no assertion criteria provided. Collection method: research. Allele origin: germline. Inheritance: Autosomal recessive inheritance. Affected: yes. Not counted in ClinVar's aggregate classification.

Literature cited by the submitters: PubMed 32873932 (cited by PXE International).

NM_001171.6(ABCC6):c.4213G>A (p.Gly1405Ser)

Gene: ABCC6 (ATP binding cassette subfamily C member 6; minus strand). Cytogenetic location: 16p13.11.
Variant type: single nucleotide variant.
Coding change: c.4213G>A on transcript NM_001171.6 (MANE Select); coding-DNA position 4213, G replaced by A.
Protein change: p.Gly1405Ser; replaces glycine 1405 with serine.
Molecular consequence: missense variant. On other transcripts: non-coding transcript variant (1).
Genome position (GRCh38, 1-based): chr16:16,150,768, C>T on the plus strand (G>A on the coding strand, the complement: ABCC6 is on the minus strand). VCF-style: chr16-16150768-C-T. GRCh37 (hg19) VCF-style: chr16-16244625-C-T.
Other names: c.3871G>A, p.Gly1291Ser (NM_001351800.1); short protein forms G1405S, G1291S.
Identifiers: ClinVar variation 433380 (VCV000433380.4), dbSNP rs947230593, ClinGen allele CA278675411.